The following is an entry in ClinVar:

NM_001776.6(ENTPD1):c.424G>C (p.Glu142Gln)

Genes: ENTPD1 (ectonucleoside triphosphate diphosphohydrolase 1; plus strand), ENTPD1-AS1 (ENTPD1 antisense RNA 1; minus strand). Cytogenetic location: 10q24.1.
Variant type: single nucleotide variant.
Coding change: c.424G>C on transcript NM_001776.6 (MANE Select); coding-DNA position 424, G replaced by C.
Protein change: p.Glu142Gln; replaces glutamic acid 142 with glutamine.
Molecular consequence: missense variant.
Genome position (GRCh38, 1-based): chr10:95,844,486, G>C. VCF-style: chr10-95844486-G-C. GRCh37 (hg19) VCF-style: chr10-97604243-G-C.
Other names: c.445G>C, p.Glu149Gln (NM_001098175.2); c.460G>C, p.Glu154Gln (NM_001164178.1, NM_001320916.1); c.424G>C, p.Glu142Gln (NM_001164179.2); c.100G>C, p.Glu34Gln (NM_001164181.1, NM_001312654.1); c.10G>C, p.Glu4Gln (NM_001164182.2, NM_001164183.2); short protein forms E142Q, E149Q, E154Q, E34Q, E4Q.
Identifiers: ClinVar variation 1344319 (VCV001344319.35), dbSNP rs148809600, ClinGen allele CA5621402.

ClinVar aggregate classification (germline): Uncertain significance. Review status: criteria provided, multiple submitters, no conflicts (2 of 4 stars). 4 submissions from 4 submitters: Uncertain significance (4). Last evaluated 2025-08-05.

Conditions:
Inborn genetic diseases. Identifiers: MedGen C0950123, MeSH D030342.
Hereditary spastic paraplegia 64. Also called: Spastic paraplegia 64, autosomal recessive; ENTPD1-Related Neurodevelopmental Disorder. Identifiers: Orphanet 401810, MedGen C3810289, MONDO:0014303, OMIM 615683.
Hereditary spastic paraplegia. Also called: Familial spastic paraparesis. Identifiers: Orphanet 685, MedGen C0037773, MONDO:0019064. Disease mechanism: loss of function.

Allele frequency attached by ClinVar (database versions not stated): gnomAD exomes 0.00011 and 0.00021; TOPMed 0.00011; ExAC 0.00012; gnomAD 0.00017; ESP Exome Variant Server 0.00023.
gnomAD v4.1: 344 of 1,614,024 alleles (0.021%); highest among the groups gnomAD compares: Non-Finnish European, 0.027%; no homozygotes.

Submissions (4):

Ambry Genetics
Classification: Uncertain significance for Inborn genetic diseases. Last evaluated: 2025-08-05. Review status: criteria provided, single submitter. Criteria: Ambry Variant Classification Scheme 2023. Collection method: clinical testing. Allele origin: germline.

CeGaT Center for Human Genetics Tuebingen
Classification: Uncertain significance. Last evaluated: 2023-02-01. Review status: criteria provided, single submitter. Criteria: CeGaT Center For Human Genetics Tuebingen Variant Classification Criteria Version 2. Collection method: clinical testing. Allele origin: germline. Affected: yes. Observed: 1 variant allele.
Comment: ENTPD1: PM2:Supporting, BP4

Labcorp Genetics (formerly Invitae), Labcorp
Classification: Uncertain significance for Hereditary spastic paraplegia 64. Last evaluated: 2022-02-08. Review status: criteria provided, single submitter. Criteria: Invitae Variant Classification Sherloc (09022015). Collection method: clinical testing. Allele origin: germline.
Comment: This sequence change replaces glutamic acid, which is acidic and polar, with glutamine, which is neutral and polar, at codon 142 of the ENTPD1 protein (p.Glu142Gln). This variant is present in population databases (rs148809600, gnomAD 0.02%). This variant has not been reported in the literature in individuals affected with ENTPD1-related conditions. Algorithms developed to predict the effect of missense changes on protein structure and function (SIFT, PolyPhen-2, Align-GVGD) all suggest that this variant is likely to be tolerated. In summary, the available evidence is currently insufficient to determine the role of this variant in disease. Therefore, it has been classified as a Variant of Uncertain Significance.

Genome Diagnostics Laboratory, The Hospital for Sick Children
Classification: Uncertain significance for Hereditary spastic paraplegia. Last evaluated: 2016-12-12. Review status: criteria provided, single submitter. Criteria: ACMG Guidelines, 2015. Collection method: clinical testing. Allele origin: germline. Affected: yes.